The following is an entry in ClinVar:

NM_003073.5(SMARCB1):c.790A>T (p.Ile264Phe)

Gene: SMARCB1 (SWI/SNF related BAF chromatin remodeling complex subunit B1; plus strand). Cytogenetic location: 22q11.23.
Variant type: single nucleotide variant.
Coding change: c.790A>T on transcript NM_003073.5 (MANE Select); coding-DNA position 790, A replaced by T.
Protein change: p.Ile264Phe; replaces isoleucine 264 with phenylalanine.
Molecular consequence: missense variant.
Genome position (GRCh38, 1-based): chr22:23,816,931, A>T. VCF-style: chr22-23816931-A-T. GRCh37 (hg19) VCF-style: chr22-24159118-A-T.
Other names: c.790A>T (NM_003073.3); c.763A>T, p.Ile255Phe (NM_001007468.3); c.817A>T, p.Ile273Phe (NM_001317946.2); c.844A>T, p.Ile282Phe (NM_001362877.2); short protein forms I255F, I264F, I273F, I282F.
Identifiers: ClinVar variation 1021461 (VCV001021461.9), dbSNP rs887245809, ClinGen allele CA410902052.

ClinVar aggregate classification (germline): Uncertain significance. Review status: criteria provided, multiple submitters, no conflicts (2 of 4 stars). 2 submissions from 2 submitters: Uncertain significance (2). Last evaluated 2026-05-12.

Conditions:
Hereditary cancer-predisposing syndrome. Also called: Hereditary neoplastic syndrome; Neoplastic Syndromes, Hereditary; Tumor predisposition; Hereditary Cancer Syndrome. Identifiers: Orphanet 140162, MedGen C0027672, MeSH D009386, MONDO:0015356.

gnomAD v4.1: 1 of 1,613,810 alleles (0.000062%); highest among the groups gnomAD compares: Non-Finnish European, 0.000085%; no homozygotes.

Submissions (2):

Ambry Genetics
Classification: Uncertain significance for Hereditary cancer-predisposing syndrome. Last evaluated: 2026-05-12. Review status: criteria provided, single submitter. Criteria: Ambry Variant Classification Scheme 2023. Collection method: clinical testing. Allele origin: germline.
Comment: The p.I264F variant (also known as c.790A>T), located in coding exon 6 of the SMARCB1 gene, results from an A to T substitution at nucleotide position 790. The isoleucine at codon 264 is replaced by phenylalanine, an amino acid with highly similar properties. This amino acid position is highly conserved in available vertebrate species. In addition, this alteration is predicted to be deleterious by in silico analysis. Based on the available evidence, the clinical significance of this variant remains unclear.

Labcorp Genetics (formerly Invitae), Labcorp
Classification: Uncertain significance. Last evaluated: 2024-07-19. Review status: criteria provided, single submitter. Criteria: Invitae Variant Classification Sherloc (09022015). Collection method: clinical testing. Allele origin: germline.
Comment: This sequence change replaces isoleucine, which is neutral and non-polar, with phenylalanine, which is neutral and non-polar, at codon 264 of the SMARCB1 protein (p.Ile264Phe). This variant is not present in population databases (gnomAD no frequency). This variant has not been reported in the literature in individuals affected with SMARCB1-related conditions. ClinVar contains an entry for this variant (Variation ID: 1021461). Advanced modeling of protein sequence and biophysical properties (such as structural, functional, and spatial information, amino acid conservation, physicochemical variation, residue mobility, and thermodynamic stability) performed at Invitae indicates that this missense variant is expected to disrupt SMARCB1 protein function with a positive predictive value of 80%. In summary, the available evidence is currently insufficient to determine the role of this variant in disease. Therefore, it has been classified as a Variant of Uncertain Significance.